The following is an entry in ClinVar:

ClinVar aggregate classification (germline): Uncertain significance (1 of 4 stars; one submission).

Conditions:
Inborn genetic diseases. Identifiers: MedGen C0950123, MeSH D030342.

gnomAD v4.1: 2 of 1,613,942 alleles (0.00012%); highest among the groups gnomAD compares: African/African-American, 0.0013%; no homozygotes.

Submission:

Ambry Genetics
Classification: Uncertain significance for Inborn genetic diseases. Last evaluated: 2025-04-10. Review status: criteria provided, single submitter. Criteria: Ambry Variant Classification Scheme 2023. Collection method: clinical testing. Allele origin: germline.
Comment: The p.A52V variant (also known as c.155C>T), located in coding exon 2 of the ERCC6L2 gene, results from a C to T substitution at nucleotide position 155. The alanine at codon 52 is replaced by valine, an amino acid with similar properties. This amino acid position is conserved. In addition, the in silico prediction for this alteration is inconclusive. Based on the available evidence, the clinical significance of this variant remains unclear.

NM_020207.7(ERCC6L2):c.155C>T (p.Ala52Val)

Gene: ERCC6L2 (ERCC excision repair 6 like 2; plus strand). Cytogenetic location: 9q22.32.
Variant type: single nucleotide variant.
Coding change: c.155C>T on transcript NM_020207.7 (MANE Select); coding-DNA position 155, C replaced by T.
Protein change: p.Ala52Val; replaces alanine 52 with valine.
Molecular consequence: missense variant. On other transcripts: non-coding transcript variant (1).
Genome position (GRCh38, 1-based): chr9:95,880,977, C>T. VCF-style: chr9-95880977-C-T. GRCh37 (hg19) VCF-style: chr9-98643259-C-T.
Other names: c.155C>T, p.Ala52Val (NM_001010895.4, NM_001375291.1, NM_001375292.1 and 2 more transcripts); short protein forms A52V.
Identifiers: ClinVar variation 4019301 (VCV004019301.1).